The following is an entry in ClinVar:

NM_002878.4(RAD51D):c.136del (p.Ser46fs)

Genes: RAD51L3-RFFL (RAD51L3-RFFL readthrough; minus strand), RAD51D (RAD51 paralog D; minus strand). Cytogenetic location: 17q12.
Variant type: Deletion.
Coding change: c.136del on transcript NM_002878.4 (MANE Select); coding-DNA position 136, one base deleted (T; older notation c.136delT).
Protein change: p.Ser46fs; shifts the reading frame from serine 46.
Molecular consequence: frameshift variant. On other transcripts: non-coding transcript variant (2).
Genome position (GRCh38, 1-based): chr17:35,119,119, A deleted on the plus strand (T on the coding strand, the reverse complement: RAD51D is on the minus strand). VCF-style (leftmost placement, unchanged base first): chr17-35119118-GA-G. GRCh37 (hg19) VCF-style: chr17-33446137-GA-G.
Other names: c.136del, p.Ser46fs (NM_001142571.2, NM_133629.3); short protein forms S46fs.
Identifiers: ClinVar variation 4825848 (VCV004825848.2).

ClinVar aggregate classification (germline): Pathogenic. Review status: criteria provided, multiple submitters, no conflicts (2 of 4 stars). 2 submissions from 2 submitters: Pathogenic (2). Last evaluated 2026-07-02.

Conditions:
Breast-ovarian cancer, familial, susceptibility to, 4. Identifiers: Orphanet 145, MedGen C3280345, MONDO:0013669, OMIM 614291.
Hereditary cancer-predisposing syndrome. Also called: Neoplastic Syndromes, Hereditary; Tumor predisposition; Hereditary neoplastic syndrome; Hereditary Cancer Syndrome. Identifiers: Orphanet 140162, MedGen C0027672, MeSH D009386, MONDO:0015356.

Submissions (2):

Myriad Genetics, Inc.
Classification: Pathogenic for Breast-ovarian cancer, familial, susceptibility to, 4. Last evaluated: 2026-07-02. Review status: criteria provided, single submitter. Criteria: Myriad Autosomal Dominant, Autosomal Recessive and X-Linked Classification Criteria (2023). Collection method: clinical testing. Allele origin: unknown.
Comment: This variant is considered pathogenic. This variant creates a frameshift predicted to result in premature protein truncation.

Ambry Genetics
Classification: Pathogenic for Hereditary cancer-predisposing syndrome. Last evaluated: 2026-03-02. Review status: criteria provided, single submitter. Criteria: Ambry Variant Classification Scheme 2023. Collection method: clinical testing. Allele origin: germline.
Comment: The c.136delT pathogenic mutation, located in coding exon 2 of the RAD51D gene, results from a deletion of one nucleotide at nucleotide position 136, causing a translational frameshift with a predicted alternate stop codon (p.S46Lfs*8). This variant is considered to be rare based on population cohorts in the Genome Aggregation Database (gnomAD). This alteration is expected to result in loss of function by premature protein truncation or nonsense-mediated mRNA decay. As such, this alteration is interpreted as a disease-causing mutation.